The following is an entry in ClinVar:

NM_007371.4(BRD3):c.1216-6C>T

Gene: BRD3 (bromodomain containing 3; minus strand). Cytogenetic location: 9q34.2.
Variant type: single nucleotide variant.
Coding change: c.1216-6C>T on transcript NM_007371.4 (MANE Select); 6 bases into the intron before coding-DNA position 1216, C replaced by T.
Molecular consequence: intron variant.
Genome position (GRCh38, 1-based): chr9:134,041,957, G>A on the plus strand (C>T on the coding strand, the complement: BRD3 is on the minus strand). VCF-style: chr9-134041957-G-A. GRCh37 (hg19) VCF-style: chr9-136907079-G-A.
Identifiers: ClinVar variation 3024865 (VCV003024865.22), dbSNP rs188580122, ClinGen allele CA5316703.

ClinVar aggregate classification (germline): Likely benign (1 of 4 stars; one submission).

Allele frequency attached by ClinVar (database versions not stated): 1000 Genomes Project 0.00160; 1000 Genomes Project 30x 0.00172; gnomAD 0.00419; TOPMed 0.00434; ExAC 0.00572; ESP Exome Variant Server 0.00608; gnomAD exomes 0.00692.

Submission:

CeGaT Center for Human Genetics Tuebingen
Classification: Likely benign. Last evaluated: 2024-02-01. Review status: criteria provided, single submitter. Criteria: CeGaT Center For Human Genetics Tuebingen Variant Classification Criteria Version 2. Collection method: clinical testing. Allele origin: germline. Affected: yes. Observed: 1 variant allele.
Comment: BRD3: BP4, BS2